The following is an entry in ClinVar:

NM_016180.5(SLC45A2):c.365A>G (p.Asn122Ser)

Gene: SLC45A2 (solute carrier family 45 member 2; minus strand). Cytogenetic location: 5p13.2.
Variant type: single nucleotide variant.
Coding change: c.365A>G on transcript NM_016180.5 (MANE Select); coding-DNA position 365, A replaced by G.
Protein change: p.Asn122Ser; replaces asparagine 122 with serine.
Molecular consequence: missense variant.
Genome position (GRCh38, 1-based): chr5:33,984,219, T>C on the plus strand (A>G on the coding strand, the complement: SLC45A2 is on the minus strand). VCF-style: chr5-33984219-T-C. GRCh37 (hg19) VCF-style: chr5-33984324-T-C.
Other names: c.365A>G (NM_016180.4); c.365A>G, p.Asn122Ser (NM_001012509.4, NM_001297417.4); short protein forms N122S.
Identifiers: ClinVar variation 1512077 (VCV001512077.12), dbSNP rs145379710, ClinGen allele CA3225821.

ClinVar aggregate classification (germline): Conflicting classifications of pathogenicity. Review status: criteria provided, conflicting classifications (1 of 4 stars). 5 submissions from 5 submitters: Pathogenic (1); Likely pathogenic (3); Uncertain significance (1). Last evaluated 2026-01-12.

Conditions:
SKIN/HAIR/EYE PIGMENTATION 5, BLACK/NONBLACK HAIR (SHEP5). Also called: SKIN/HAIR/EYE PIGMENTATION, VARIATION IN, 5; SKIN/HAIR/EYE PIGMENTATION 5, DARK/FAIR SKIN; SKIN/HAIR/EYE PIGMENTATION 5, DARK/LIGHT EYES. Identifiers: MedGen C2673584, OMIM 227240.
Oculocutaneous albinism type 4 (OCA4). Also called: Albinism, oculocutaneous, type IV. Identifiers: Orphanet 79435, MedGen C1847836, MONDO:0011683, OMIM 606574.
SLC45A2-related disorder. Also called: SLC45A2-related condition.

Allele frequency attached by ClinVar (database versions not stated): gnomAD exomes 0.00010 and 0.00004; 1000 Genomes Project 0.00060; gnomAD 0.00021; 1000 Genomes Project 30x 0.00062; TOPMed 0.00023; ESP Exome Variant Server 0.00038; ExAC 0.00016.
gnomAD v4.1: 104 of 1,614,018 alleles (0.0064%); highest among the groups gnomAD compares: African/African-American, 0.063%; 2 homozygotes.

Submissions (5):

Labcorp Genetics (formerly Invitae), Labcorp
Classification: Pathogenic. Last evaluated: 2026-01-12. Review status: criteria provided, single submitter. Criteria: Invitae Variant Classification Sherloc (09022015). Collection method: clinical testing. Allele origin: germline.
Comment: This sequence change replaces asparagine, which is neutral and polar, with serine, which is neutral and polar, at codon 122 of the SLC45A2 protein (p.Asn122Ser). This variant is present in population databases (rs145379710, gnomAD 0.07%). This missense change has been observed in individual(s) with clinical features of ocular albinism (PMID: 29345414; internal data). In at least one individual the data is consistent with being in trans (on the opposite chromosome) from a pathogenic variant. ClinVar contains an entry for this variant (Variation ID: 1512077). Invitae Evidence Modeling of protein sequence and biophysical properties (such as structural, functional, and spatial information, amino acid conservation, physicochemical variation, residue mobility, and thermodynamic stability) indicates that this missense variant is expected to disrupt SLC45A2 protein function with a positive predictive value of 80%. For these reasons, this variant has been classified as Pathogenic.

PreventionGenetics, part of Exact Sciences
Classification: Uncertain significance for SLC45A2-related condition. Last evaluated: 2025-11-10. Review status: criteria provided, single submitter. Criteria: ACMG Guidelines, 2015. Collection method: clinical testing. Allele origin: germline.
Comment: The SLC45A2 c.365A>G variant is predicted to result in the amino acid substitution p.Asn122Ser. This variant has been in the compound heterozygous state in at least two individuals with a diagnosis or clinical features consistent with oculocutaneous albinism (Table S5, Lasseaux et al. 2018. PubMed ID: 29345414; Internal Data, PreventionGenetics). This variant is reported in 0.076% of alleles in individuals of African descent in gnomAD, including one homozygote. An alternate missense change at the same amino acid position (p.Asn122Lys) has been reported in an individual with albinism (Table S1, Wei et al. 2022. PubMed ID: 34838614). Although we suspect that this variant may be pathogenic, at this time, the clinical significance of this variant is uncertain due to the absence of conclusive functional and genetic evidence.

First Genomix Gene Laboratory, Genetic Diagnostics Department
Classification: Likely pathogenic for Oculocutaneous albinism type 4. Last evaluated: 2025-03-20. Review status: criteria provided, single submitter. Criteria: ACMG Guidelines, 2015. Collection method: clinical testing. Allele origin: germline. Inheritance: Autosomal recessive inheritance. Affected: no. Observed: 1 variant allele.

Fulgent Genetics
Classification: Likely pathogenic for SKIN/HAIR/EYE PIGMENTATION 5, BLACK/NONBLACK HAIR; Oculocutaneous albinism type 4. Last evaluated: 2024-06-06. Review status: criteria provided, single submitter. Criteria: ACMG Guidelines, 2015. Collection method: clinical testing. Allele origin: germline.

Blueprint Genetics
Classification: Likely pathogenic for SLC45A2-related disorders. Last evaluated: 2022-11-25. Review status: criteria provided, single submitter. Criteria: ACMG Guidelines, 2015. Collection method: clinical testing. Allele origin: germline. Affected: yes. Observed: 5 variant alleles.

Literature cited by the submitters: PubMed 29345414 (cited by Labcorp Genetics (formerly Invitae), Labcorp).